The following is an entry in ClinVar:

NM_003072.5(SMARCA4):c.782C>T (p.Pro261Leu)

Gene: SMARCA4 (SWI/SNF related BAF chromatin remodeling complex subunit ATPase 4; plus strand). Cytogenetic location: 19p13.2.
Variant type: single nucleotide variant.
Coding change: c.782C>T on transcript NM_003072.5 (MANE Select); coding-DNA position 782, C replaced by T.
Protein change: p.Pro261Leu; replaces proline 261 with leucine.
Molecular consequence: missense variant. On other transcripts: non-coding transcript variant (1).
Genome position (GRCh38, 1-based): chr19:10,986,926, C>T. VCF-style: chr19-10986926-C-T. GRCh37 (hg19) VCF-style: chr19-11097602-C-T.
Other names: c.782C>T, p.Pro261Leu (NM_001128844.3, NM_001128845.2, NM_001128846.2 and 4 more transcripts); short protein forms P261L.
Identifiers: ClinVar variation 1007498 (VCV001007498.11), dbSNP rs757327891, ClinGen allele CA404057898.

ClinVar aggregate classification (germline): Uncertain significance. Review status: criteria provided, multiple submitters, no conflicts (2 of 4 stars). 2 submissions from 2 submitters: Uncertain significance (2). Last evaluated 2023-08-03.

Conditions:
Rhabdoid tumor predisposition syndrome 2 (RTPS2). Identifiers: Orphanet 231108, Orphanet 69077, MedGen C2750074, MONDO:0013224, OMIM 613325.
Hereditary cancer-predisposing syndrome. Also called: Tumor predisposition; Hereditary neoplastic syndrome; Neoplastic Syndromes, Hereditary; Hereditary Cancer Syndrome. Identifiers: Orphanet 140162, MedGen C0027672, MeSH D009386, MONDO:0015356.

gnomAD v4.1: 1 of 1,612,766 alleles (0.000062%); highest among the groups gnomAD compares: African/African-American, 0.0013%; no homozygotes.

Submissions (2):

Labcorp Genetics (formerly Invitae), Labcorp
Classification: Uncertain significance for Rhabdoid tumor predisposition syndrome 2. Last evaluated: 2023-08-03. Review status: criteria provided, single submitter. Criteria: Invitae Variant Classification Sherloc (09022015). Collection method: clinical testing. Allele origin: germline.
Comment: This variant is not present in population databases (gnomAD no frequency). This variant has not been reported in the literature in individuals affected with SMARCA4-related conditions. ClinVar contains an entry for this variant (Variation ID: 1007498). Advanced modeling of protein sequence and biophysical properties (such as structural, functional, and spatial information, amino acid conservation, physicochemical variation, residue mobility, and thermodynamic stability) performed at Invitae indicates that this missense variant is not expected to disrupt SMARCA4 protein function. In summary, the available evidence is currently insufficient to determine the role of this variant in disease. Therefore, it has been classified as a Variant of Uncertain Significance. This sequence change replaces proline, which is neutral and non-polar, with leucine, which is neutral and non-polar, at codon 261 of the SMARCA4 protein (p.Pro261Leu).

Ambry Genetics
Classification: Uncertain significance for Hereditary cancer-predisposing syndrome. Last evaluated: 2020-09-10. Review status: criteria provided, single submitter. Criteria: Ambry Variant Classification Scheme 2023. Collection method: clinical testing. Allele origin: germline.
Comment: The p.P261L variant (also known as c.782C>T), located in coding exon 4 of the SMARCA4 gene, results from a C to T substitution at nucleotide position 782. The proline at codon 261 is replaced by leucine, an amino acid with similar properties. This amino acid position is well conserved in available vertebrate species. In addition, the in silico prediction for this alteration is inconclusive. Since supporting evidence is limited at this time, the clinical significance of this alteration remains unclear.